The following is an entry in ClinVar:

ClinVar aggregate classification (germline): Uncertain significance. Review status: criteria provided, multiple submitters, no conflicts (2 of 4 stars). 2 submissions from 2 submitters: Uncertain significance (2). Last evaluated 2024-05-28.

Conditions:
Vesicoureteral reflux 2 (VUR2). Identifiers: Orphanet 289365, MedGen C1970483, MONDO:0012573, OMIM 610878.

gnomAD v4.1: 3 of 1,614,052 alleles (0.00019%); highest among the groups gnomAD compares: Middle Eastern, 0.016%; no homozygotes.

Submissions (2):

Labcorp Genetics (formerly Invitae), Labcorp
Classification: Uncertain significance. Last evaluated: 2024-05-28. Review status: criteria provided, single submitter. Criteria: Invitae Variant Classification Sherloc (09022015). Collection method: clinical testing. Allele origin: germline.
Comment: This sequence change replaces proline, which is neutral and non-polar, with leucine, which is neutral and non-polar, at codon 1300 of the ROBO2 protein (p.Pro1300Leu). This variant is not present in population databases (gnomAD no frequency). This variant has not been reported in the literature in individuals affected with ROBO2-related conditions. Advanced modeling of protein sequence and biophysical properties (such as structural, functional, and spatial information, amino acid conservation, physicochemical variation, residue mobility, and thermodynamic stability) performed at Invitae indicates that this missense variant is not expected to disrupt ROBO2 protein function with a negative predictive value of 95%. In summary, the available evidence is currently insufficient to determine the role of this variant in disease. Therefore, it has been classified as a Variant of Uncertain Significance.

Fulgent Genetics
Classification: Uncertain significance for Vesicoureteral reflux 2. Last evaluated: 2024-03-04. Review status: criteria provided, single submitter. Criteria: ACMG Guidelines, 2015. Collection method: clinical testing. Allele origin: germline.

NM_001395656.1(ROBO2):c.3911C>T (p.Pro1304Leu)

Gene: ROBO2 (roundabout guidance receptor 2; plus strand). Cytogenetic location: 3p12.3.
Variant type: single nucleotide variant.
Coding change: c.3911C>T on transcript NM_001395656.1 (MANE Select); coding-DNA position 3911, C replaced by T.
Protein change: p.Pro1304Leu; replaces proline 1304 with leucine.
Molecular consequence: missense variant. On other transcripts: intron variant (1).
Genome position (GRCh38, 1-based): chr3:77,635,008, C>T. VCF-style: chr3-77635008-C-T. GRCh37 (hg19) VCF-style: chr3-77684159-C-T.
Other names: c.3947C>T, p.Pro1316Leu (NM_001128929.3); c.3911C>T, p.Pro1304Leu (NM_001290039.2); c.4094C>T, p.Pro1365Leu (NM_001290040.2, NM_001394212.1, NM_001395657.1); c.2120C>T, p.Pro707Leu (NM_001290065.2); c.3959C>T, p.Pro1320Leu (NM_001378190.1, NM_001378200.1, NM_001378201.1); c.4085C>T, p.Pro1362Leu (NM_001378191.1, NM_001378195.1, NM_001378196.1); c.3980C>T, p.Pro1327Leu (NM_001378192.1, NM_001378198.1, NM_001378199.1); c.3899C>T, p.Pro1300Leu (NM_001378193.1, NM_002942.5); and 6 more; short protein forms P1327L, P1362L, P707L, P1304L, P1365L, P1369L, P1300L, P1320L.
Identifiers: ClinVar variation 3589627 (VCV003589627.3).